The following is an entry in ClinVar:

NM_001098484.3(SLC4A4):c.*3106G>A

Gene: SLC4A4 (solute carrier family 4 member 4; plus strand). Cytogenetic location: 4q13.3.
Variant type: single nucleotide variant.
Coding change: c.*3106G>A on transcript NM_001098484.3 (MANE Select); 3106 bases downstream of the stop codon, G replaced by A.
Molecular consequence: 3 prime UTR variant.
Genome position (GRCh38, 1-based): chr4:71,570,857, G>A. VCF-style: chr4-71570857-G-A. GRCh37 (hg19) VCF-style: chr4-72436574-G-A.
Other names: c.*2964G>A (NM_001134742.2); c.*3106G>A (NM_003759.4).
Identifiers: ClinVar variation 905390 (VCV000905390.4), dbSNP rs114563047, ClinGen allele CA99476004.

ClinVar aggregate classification (germline): Likely benign (1 of 4 stars; one submission).

Conditions:
Autosomal recessive proximal renal tubular acidosis (PRTAO). Also called: RENAL TUBULAR ACIDOSIS, PROXIMAL, WITH OCULAR ABNORMALITIES AND IMPAIRED INTELLECTUAL DEVELOPMENT; RENAL TUBULAR ACIDOSIS, PROXIMAL, WITH OCULAR ABNORMALITIES AND MENTAL RETARDATION; RTA, PROXIMAL, AUTOSOMAL RECESSIVE; PROXIMAL RENAL TUBULAR ACIDOSIS-OCULAR ANOMALY SYNDROME. Identifiers: Orphanet 93607, MedGen C1970309, MONDO:0011422, OMIM 604278.

Allele frequency attached by ClinVar (database versions not stated): gnomAD 0.00931 and 0.00995; TOPMed 0.01032; 1000 Genomes Project 0.01118; 1000 Genomes Project 30x 0.01187.

Submission:

Illumina Laboratory Services, Illumina
Classification: Likely benign for Autosomal recessive proximal renal tubular acidosis. Last evaluated: 2017-04-27. Review status: criteria provided, single submitter. Criteria: ICSL Variant Classification Criteria 13 December 2019. Collection method: clinical testing. Allele origin: germline.
Comment: This variant was observed as part of a predisposition screen in an ostensibly healthy population. A literature search was performed for the gene, cDNA change, and amino acid change (where applicable). No publications were found based on this search. Allele frequency data from public databases allowed determination this variant is unlikely to cause disease. Therefore, this variant is classified as likely benign.